The following is an entry in ClinVar:

ClinVar aggregate classification (germline): Uncertain significance. Review status: criteria provided, multiple submitters, no conflicts (2 of 4 stars). 2 submissions from 2 submitters: Uncertain significance (2). Last evaluated 2025-10-07.

Conditions:
Inborn genetic diseases. Identifiers: MedGen C0950123, MeSH D030342.

gnomAD v4.1: 4 of 1,614,050 alleles (0.00025%); highest among the groups gnomAD compares: South Asian, 0.0033%; no homozygotes.

Submissions (2):

Ambry Genetics
Classification: Uncertain significance for Inborn genetic diseases. Last evaluated: 2025-10-07. Review status: criteria provided, single submitter. Criteria: Ambry Variant Classification Scheme 2023. Collection method: clinical testing. Allele origin: germline.

Labcorp Genetics (formerly Invitae), Labcorp
Classification: Uncertain significance. Last evaluated: 2025-08-11. Review status: criteria provided, single submitter. Criteria: Invitae Variant Classification Sherloc (09022015). Collection method: clinical testing. Allele origin: germline.
Comment: This sequence change replaces alanine, which is neutral and non-polar, with serine, which is neutral and polar, at codon 1389 of the SMARCA2 protein (p.Ala1389Ser). This variant is present in population databases (no rsID available, gnomAD 0.003%). This variant has not been reported in the literature in individuals affected with SMARCA2-related conditions. ClinVar contains an entry for this variant (Variation ID: 3716498). Invitae Evidence Modeling of protein sequence and biophysical properties (such as structural, functional, and spatial information, amino acid conservation, physicochemical variation, residue mobility, and thermodynamic stability) indicates that this missense variant is not expected to disrupt SMARCA2 protein function with a negative predictive value of 80%. In summary, the available evidence is currently insufficient to determine the role of this variant in disease. Therefore, it has been classified as a Variant of Uncertain Significance.

NM_003070.5(SMARCA2):c.4165G>T (p.Ala1389Ser)

Gene: SMARCA2 (SWI/SNF related BAF chromatin remodeling complex subunit ATPase 2; plus strand). Cytogenetic location: 9p24.3.
Variant type: single nucleotide variant.
Coding change: c.4165G>T on transcript NM_003070.5 (MANE Select); coding-DNA position 4165, G replaced by T.
Protein change: p.Ala1389Ser; replaces alanine 1389 with serine.
Molecular consequence: missense variant.
Genome position (GRCh38, 1-based): chr9:2,161,869, G>T. VCF-style: chr9-2161869-G-T. GRCh37 (hg19) VCF-style: chr9-2161869-G-T.
Other names: c.4165G>T, p.Ala1389Ser (NM_001289396.2, NM_139045.4); c.3991G>T, p.Ala1331Ser (NM_001289397.2); c.193G>T, p.Ala65Ser (NM_001289398.2); c.277G>T, p.Ala93Ser (NM_001289399.2); c.283G>T, p.Ala95Ser (NM_001289400.2); c.4165G>T (NM_003070.3); short protein forms A1331S, A95S, A1389S, A65S, A93S.
Identifiers: ClinVar variation 3716498 (VCV003716498.3).